The following is an entry in ClinVar:

ClinVar aggregate classification (germline): Uncertain significance (1 of 4 stars; one submission).

Conditions:
Mosaic variegated aneuploidy syndrome 1 (MVA1). Also called: Warburton-Anyane-Yeboa syndrome. Identifiers: Orphanet 1052, MedGen C1850343, MONDO:0009759, OMIM 257300.

Allele frequency attached by ClinVar (database versions not stated): gnomAD 0.00001.
gnomAD v4.1: 1 of 1,613,926 alleles (0.000062%); highest among the groups gnomAD compares: African/African-American, 0.0013%; no homozygotes.

Submission:

Labcorp Genetics (formerly Invitae), Labcorp
Classification: Uncertain significance for Mosaic variegated aneuploidy syndrome 1. Last evaluated: 2024-04-16. Review status: criteria provided, single submitter. Criteria: Invitae Variant Classification Sherloc (09022015). Collection method: clinical testing. Allele origin: germline.
Comment: This sequence change falls in intron 16 of the BUB1B gene. It does not directly change the encoded amino acid sequence of the BUB1B protein. This variant is present in population databases (no rsID available, gnomAD 0.01%). This variant has not been reported in the literature in individuals affected with BUB1B-related conditions. ClinVar contains an entry for this variant (Variation ID: 1362120). Algorithms developed to predict the effect of sequence changes on RNA splicing suggest that this variant may disrupt the consensus splice site. In summary, the available evidence is currently insufficient to determine the role of this variant in disease. Therefore, it has been classified as a Variant of Uncertain Significance.

NM_001211.6(BUB1B):c.2144-7C>G

Gene: BUB1B (BUB1 mitotic checkpoint serine/threonine kinase B; plus strand). Cytogenetic location: 15q15.1.
Variant type: single nucleotide variant.
Coding change: c.2144-7C>G on transcript NM_001211.6 (MANE Select); 7 bases into the intron before coding-DNA position 2144, C replaced by G.
Molecular consequence: intron variant.
Genome position (GRCh38, 1-based): chr15:40,209,628, C>G. VCF-style: chr15-40209628-C-G. GRCh37 (hg19) VCF-style: chr15-40501829-C-G.
Identifiers: ClinVar variation 1362120 (VCV001362120.6), dbSNP rs1409374402, ClinGen allele CA617229717.